The following is an entry in ClinVar:

ClinVar aggregate classification (germline): Pathogenic. Review status: criteria provided, multiple submitters, no conflicts (2 of 4 stars). 8 submissions from 8 submitters: Pathogenic (6). 2 of the submissions do not count toward it. Last evaluated 2026-02-08.

Conditions:
Niemann-Pick disease, type B. Also called: Chronic Visceral ASMD (Niemann-Pick Disease Type B; NPD-B). Identifiers: Orphanet 77293, MedGen C0268243, MONDO:0011871, OMIM 607616. Disease mechanism: loss of function.
Niemann-Pick disease, type A. Also called: Infantile Neurovisceral ASMD (Niemann-Pick Disease Type A; NPD-A); SPHINGOMYELIN LIPIDOSIS; SPHINGOMYELINASE DEFICIENCY. Identifiers: Orphanet 77292, MedGen C0268242, MONDO:0009756, OMIM 257200. Disease mechanism: loss of function.
Sphingomyelin/cholesterol lipidosis. Also called: Niemann-Pick disease. Identifiers: MedGen C0028064, MONDO:0001982.

Submissions (8):

Otogenetics
Classification: Pathogenic for Niemann-Pick disease, type A; Niemann-Pick disease, type B. Last evaluated: 2026-02-08. Review status: criteria provided, single submitter. Criteria: ACMG Guidelines, 2015. Collection method: clinical testing. Allele origin: germline.
Comment: PVS1: Frameshift indel introduces premature stop codon in gene with loss of function as mechanism of disease, predicted to undergo NMD; PS3_Supporting: Well-established in vitro and in vivo functional studies supportive of damaging effect on the gene product, with no residual enzymatic activity relative to wild-type reported (PMID: 1618760); PM2: Maximum gnomAD MAF of 0.0034% in European-Non Finnish (NFE) subpopulation (<0.28% threshold); PM3_Strong: Variant reported in homozygous state in one affected individual and in trans with 2 pathogenic variants in 3 individuals affected with Niemann-Pick disease (PMID: 15877209, 1618760, 17011332)

Natera, Inc.
Classification: Pathogenic for Niemann-Pick Disease, Types A/B. Last evaluated: 2025-04-17. Review status: criteria provided, single submitter. Criteria: Natera Variant Classification Schema (03/2026). Collection method: clinical testing. Allele origin: germline.
Comment: The c.538_539delTT variant in SMPD1 is a frameshift variant predicted to shift the reading frame beginning at codon 180 and leads to a stop codon 12 codons downstream. This variant is expected to result in nonsense mediated decay, truncation, or a dysfunctional protein product. This variant is rare in the general population with a frequency below the threshold expected for the associated phenotype(s). This variant has been observed in one or more individuals affected with the associated recessive disease, as either homozygous or compound heterozygous with a second variant (PMID: 15877209, 17011332). Given the available evidence, this variant is classified as Pathogenic.

Baylor Genetics
Classification: Pathogenic for Niemann-Pick disease, type A. Last evaluated: 2024-03-12. Review status: criteria provided, single submitter. Criteria: ACMG Guidelines, 2015. Collection method: clinical testing. Allele origin: unknown.

Labcorp Genetics (formerly Invitae), Labcorp
Classification: Pathogenic for Niemann-Pick disease, type B; Niemann-Pick disease, type A. Last evaluated: 2023-11-14. Review status: criteria provided, single submitter. Criteria: Invitae Variant Classification Sherloc (09022015). Collection method: clinical testing. Allele origin: germline.
Comment: This sequence change creates a premature translational stop signal (p.Leu180Alafs*12) in the SMPD1 gene. It is expected to result in an absent or disrupted protein product. Loss-of-function variants in SMPD1 are known to be pathogenic (PMID: 12369017, 15221801). This variant is present in population databases (rs746454813, gnomAD 0.003%). This premature translational stop signal has been observed in individual(s) with clinical features of acid sphingomyelinase deficiency (PMID: 1618760). This variant is also known as fsL178. ClinVar contains an entry for this variant (Variation ID: 189096). For these reasons, this variant has been classified as Pathogenic.

Broad Center for Mendelian Genomics, Broad Institute of MIT and Harvard
Classification: Pathogenic for Sphingomyelin/cholesterol lipidosis. Last evaluated: 2020-01-22. Review status: criteria provided, single submitter. Criteria: ACMG Guidelines, 2015. Collection method: curation. Allele origin: germline. Inheritance: Autosomal recessive inheritance.
Comment: The p.Leu180AlafsTer12 variant in SMPD1 (also known as p.Leu178AlafsTer12 due to a difference in cDNA numbering) has been reported in at least 2 individuals with Niemann-Pick disease (PMID: 15877209, 1618760) and has been identified in 0.003% (4/117524) of European (non-Finnish) chromosomes by the Genome Aggregation Database (gnomAD; dbSNP rs786204694). Although this variant has been seen in the general population, its frequency is low enough to be consistent with a recessive carrier frequency. This variant has also been reported in ClinVar (VariationID: 189096) as likely pathogenic by Counsyl and as pathogenic by Integrated Genetics. In vitro functional studies provide some evidence that the p.Leu180AlafsTer12 variant may impact protein function (PMID: 26499107, 1618760). However, these types of assays may not accurately represent biological function. This variant is predicted to cause a frameshift, which alters the protein's amino acid sequence beginning at position 180 and leads to a premature termination codon 2 amino acids downstream. This alteration is then predicted to lead to a truncated or absent protein. Loss of function of the SMPD1 gene is a moderately established disease mechanism in autosomal recessive Niemann-Pick disease. The presence of this variant in 1 affected homozygote and in combination with a reported pathogenic variant in an individual with Niemann-Pick disease increases the likelihood that the p.Leu180AlafsTer12 variant is pathogenic (VariationID: 2896; PMID: 15877209). The phenotype of individuals homozygous and compound heterozygous for this variant is highly specific for Niemann-Pick disease based on acid sphingomyelinase activity being <10% of normal, consistent with disease (PMID: 1618760, 15877209). In summary, this variant meets criteria to be classified as pathogenic for Niemann-Pick disease in an autosomal recessive manner based on the prediction that it causes loss of function, functional studies, and the presence of the variant in an affected homozygote and compound heterozygote. ACMG/AMP Criteria applied: PVS1, PS3, PM2, PM3, PP4 (Richards 2015).

Women's Health and Genetics/Laboratory Corporation of America, LabCorp
Classification: Pathogenic for Niemann-Pick disease, type A. Last evaluated: 2017-05-22. Review status: criteria provided, single submitter. Criteria: LabCorp Variant Classification Summary - May 2015. Collection method: clinical testing. Allele origin: germline.

Counsyl
Classification: Likely pathogenic for Niemann-Pick disease, type A. Last evaluated: 2014-12-18. Review status: no assertion criteria provided. Collection method: literature only. Allele origin: unknown. Inheritance: Autosomal recessive inheritance. Not counted in ClinVar's aggregate classification.

OMIM
Classification: Pathogenic for NIEMANN-PICK DISEASE, TYPE A. Last evaluated: 1992-01-01. Review status: no assertion criteria provided. Collection method: literature only. Allele origin: germline. Not counted in ClinVar's aggregate classification.

Literature cited by the submitters: PubMed 15877209 (cited by 4 submitters); PubMed 1618760 (cited by 5 submitters); PubMed 17011332 (cited by 4 submitters); PubMed 12369017 (cited by Labcorp Genetics (formerly Invitae), Labcorp); PubMed 15221801 (cited by Labcorp Genetics (formerly Invitae), Labcorp); PubMed 26499107 (cited by Broad Center for Mendelian Genomics, Broad Institute of MIT and Harvard and Women's Health and Genetics/Laboratory Corporation of America, LabCorp); PubMed 1301192 (cited by OMIM).

NM_000543.5(SMPD1):c.538_539del (p.Leu180fs)

Gene: SMPD1 (sphingomyelin phosphodiesterase 1; plus strand). Cytogenetic location: 11p15.4.
Variant type: Deletion.
Coding change: c.538_539del on transcript NM_000543.5 (MANE Select); coding-DNA positions 538 to 539, 2 bases deleted (TT; older notation c.538_539delTT).
Protein change: p.Leu180fs; shifts the reading frame from leucine 180.
Molecular consequence: frameshift variant. On other transcripts: 5 prime UTR variant (1), non-coding transcript variant (1).
Genome position (GRCh38, 1-based): chr11:6,391,603-6,391,604, TT deleted; deleting any 2 consecutive bases within chr11:6,391,602-6,391,604 gives the same sequence; the c. name uses the placement nearest the transcript's 3' end. VCF-style (leftmost placement, unchanged base first): chr11-6391601-CTT-C. GRCh37 (hg19) VCF-style: chr11-6412831-CTT-C.
Other names: c.538_539del (NM_000543.4); c.535_536del, p.Leu179fs (NM_001007593.3); c.538_539del, p.Leu180fs (NM_001318087.2, NM_001365135.2); c.-424_-423del (NM_001318088.2); short protein forms L179fs, L180fs.
Identifiers: ClinVar variation 189096 (VCV000189096.21), dbSNP rs786204694, ClinGen allele CA274373.